The following is an entry in ClinVar:

NM_032520.5(GNPTG):c.526+41G>A

Gene: GNPTG (N-acetylglucosamine-1-phosphate transferase subunit gamma; plus strand). Cytogenetic location: 16p13.3.
Variant type: single nucleotide variant.
Coding change: c.526+41G>A on transcript NM_032520.5 (MANE Select); 41 bases into the intron after coding-DNA position 526, G replaced by A.
Molecular consequence: intron variant.
Genome position (GRCh38, 1-based): chr16:1,362,361, G>A. VCF-style: chr16-1362361-G-A. GRCh37 (hg19) VCF-style: chr16-1412362-G-A.
Identifiers: ClinVar variation 1706708 (VCV001706708.2), dbSNP rs76695056, ClinGen allele CA7807771.

ClinVar aggregate classification (germline): Likely benign (1 of 4 stars; one submission).

Allele frequency attached by ClinVar (database versions not stated): ESP Exome Variant Server 0.00831; 1000 Genomes Project 0.00859; TOPMed 0.00881; 1000 Genomes Project 30x 0.00999.
gnomAD v4.1: 2,310 of 1,608,854 alleles (0.14%); highest among the groups gnomAD compares: African/African-American, 2.7%; 44 homozygotes.

Submission:

GeneDx
Classification: Likely benign. Last evaluated: 2019-03-24. Review status: criteria provided, single submitter. Criteria: GeneDx Variant Classification Process June 2021. Collection method: clinical testing. Allele origin: germline. Affected: yes.
Comment: See Variant Classification Assertion Criteria.